The following is an entry in ClinVar:

ClinVar aggregate classification (germline): Pathogenic (1 of 4 stars; one submission).

Conditions:
Pyknodysostosis. Also called: Pycnodysostosis. Identifiers: Orphanet 763, MedGen C0238402, MONDO:0009940, OMIM 265800.

Submission:

Myriad Genetics, Inc.
Classification: Pathogenic for Pyknodysostosis. Last evaluated: 2024-03-06. Review status: criteria provided, single submitter. Criteria: Myriad Autosomal Dominant, Autosomal Recessive and X-Linked Classification Criteria (2023). Collection method: clinical testing. Allele origin: unknown.
Comment: NM_000396.3(CTSK):c.539delG(G180Afs*3) is expected to be pathogenic in the context of pycnodysostosis. This variant is predicted to lead to an abnormal or absent protein product due to the creation of a premature termination codon in CTSK, a gene where loss-of-function variants are known to be pathogenic. Please note: this variant was assessed in the context of healthy population screening.

NM_000396.4(CTSK):c.539del (p.Gly180fs)

Gene: CTSK (cathepsin K; minus strand). Cytogenetic location: 1q21.3.
Variant type: Deletion.
Coding change: c.539del on transcript NM_000396.4 (MANE Select); coding-DNA position 539, one base deleted (G; older notation c.539delG).
Protein change: p.Gly180fs; shifts the reading frame from glycine 180.
Molecular consequence: frameshift variant.
Genome position (GRCh38, 1-based): chr1:150,804,100, C deleted on the plus strand (G on the coding strand, the reverse complement: CTSK is on the minus strand); the first of 5 consecutive C bases (chr1:150,804,100-150,804,104); deleting any one gives the same sequence. VCF-style (leftmost placement, unchanged base first): chr1-150804099-GC-G. GRCh37 (hg19) VCF-style: chr1-150776575-GC-G.
Other names: short protein forms G180fs.
Identifiers: ClinVar variation 5012799 (VCV005012799.1).